The following is an entry in ClinVar:

NM_001754.5(RUNX1):c.1231G>A (p.Ala411Thr)

Gene: RUNX1 (RUNX family transcription factor 1; minus strand). Cytogenetic location: 21q22.12.
Variant type: single nucleotide variant.
Coding change: c.1231G>A on transcript NM_001754.5 (MANE Select); coding-DNA position 1231, G replaced by A.
Protein change: p.Ala411Thr; replaces alanine 411 with threonine.
Molecular consequence: missense variant.
Genome position (GRCh38, 1-based): chr21:34,792,347, C>T on the plus strand (G>A on the coding strand, the complement: RUNX1 is on the minus strand). VCF-style: chr21-34792347-C-T. GRCh37 (hg19) VCF-style: chr21-36164644-C-T.
Other names: NM_001754.5(RUNX1):c.1231G>A; p.Ala411Thr; c.1150G>A, p.Ala384Thr (NM_001001890.3); short protein forms A384T, A411T.
Identifiers: ClinVar variation 942222 (VCV000942222.10), dbSNP rs1256594190, ClinGen allele CA410147727.

ClinVar aggregate classification (germline): Uncertain significance. Review status: reviewed by expert panel (3 of 4 stars). 2 submissions from 2 submitters: Uncertain significance (1). 1 of the submissions does not count toward it. Last evaluated 2024-10-29.

Conditions:
Hereditary thrombocytopenia and hematologic cancer predisposition syndrome. Identifiers: Orphanet 71290, MedGen CN281654, MONDO:0011071.
Hereditary thrombocytopenia and hematological cancer predisposition syndrome associated with RUNX1. Also called: PLATELET DISORDER, ASPIRIN-LIKE; Familial Platelet Disorder with Propensity to Acute Myelogenous Leukemia; Familial thrombocytopenia with propensity to acute myelogenous leukemia; RUNX1 Familial Platelet Disorder with Associated Myeloid Malignancies. Identifiers: Orphanet 71290, MedGen C1832388, MeSH C563324, MONDO:0100083, OMIM 601399.

Allele frequency attached by ClinVar (database versions not stated): gnomAD exomes below 0.00001.
gnomAD v4.1: 2 of 1,556,282 alleles (0.00013%); highest among the groups gnomAD compares: Non-Finnish European, 0.00017%; no homozygotes.

Submissions (2):

ClinGen Myeloid Malignancy Variant Curation Expert Panel
Classification: Uncertain significance for Hereditary thrombocytopenia and hematologic cancer predisposition syndrome. Last evaluated: 2024-10-29. Review status: reviewed by expert panel. Criteria: ClinGen MyeloMalig ACMG Specifications v2. Collection method: curation. Allele origin: germline. Inheritance: Autosomal dominant inheritance.
Comment: NM_001754.5(RUNX1):c.1231G>A (p.Ala411Thr) is a missense variant which has a REVEL score < 0.50 (0.103) and a SpliceAI score ≤ 0.20 (0.0) (BP4). This variant is completely absent from all population databases with at least 20x coverage for RUNX1 (PM2_Supporting). In summary, the clinical significance of this variant is uncertain. ACMG/AMP criteria applied, as specified by the Myeloid Malignancy Variant Curation Expert Panel for RUNX1: BP4, PM2_supporting.

Labcorp Genetics (formerly Invitae), Labcorp
Classification: Uncertain significance for Hereditary thrombocytopenia and hematological cancer predisposition syndrome associated with RUNX1. Last evaluated: 2019-07-21. Review status: criteria provided, single submitter. Criteria: Invitae Variant Classification Sherloc (09022015). Collection method: clinical testing. Allele origin: germline. Not counted in ClinVar's aggregate classification.
Comment: In summary, the available evidence is currently insufficient to determine the role of this variant in disease. Therefore, it has been classified as a Variant of Uncertain Significance. This variant is not present in population databases (ExAC no frequency). Algorithms developed to predict the effect of missense changes on protein structure and function (SIFT, PolyPhen-2, Align-GVGD) all suggest that this variant is likely to be tolerated, but these predictions have not been confirmed by published functional studies and their clinical significance is uncertain. This variant has not been reported in the literature in individuals with RUNX1-related conditions. This sequence change replaces alanine with threonine at codon 411 of the RUNX1 protein (p.Ala411Thr). The alanine residue is moderately conserved and there is a small physicochemical difference between alanine and threonine.